The following is an entry in ClinVar:

ClinVar aggregate classification (germline): Uncertain significance (1 of 4 stars; one submission).

Conditions:
Catecholaminergic polymorphic ventricular tachycardia 1. Also called: VENTRICULAR TACHYCARDIA, STRESS-INDUCED POLYMORPHIC 1; VENTRICULAR TACHYCARDIA, CATECHOLAMINERGIC POLYMORPHIC, 1, WITH OR WITHOUT ATRIAL DYSFUNCTION AND/OR DILATED CARDIOMYOPATHY; RYR2-Related Catecholaminergic Polymorphic Ventricular Tachycardia. Identifiers: Orphanet 3286, MedGen C1631597, MONDO:0011484, OMIM 604772.

Allele frequency attached by ClinVar (database versions not stated): TOPMed 0.00002.

Submission:

Labcorp Genetics (formerly Invitae), Labcorp
Classification: Uncertain significance for Catecholaminergic polymorphic ventricular tachycardia 1. Last evaluated: 2025-09-16. Review status: criteria provided, single submitter. Criteria: Invitae Variant Classification Sherloc (09022015). Collection method: clinical testing. Allele origin: germline.
Comment: This sequence change replaces glycine, which is neutral and non-polar, with cysteine, which is neutral and slightly polar, at codon 2284 of the RYR2 protein (p.Gly2284Cys). This variant is not present in population databases (gnomAD no frequency). This variant has not been reported in the literature in individuals affected with RYR2-related conditions. ClinVar contains an entry for this variant (Variation ID: 2899378). Invitae Evidence Modeling of protein sequence and biophysical properties (such as structural, functional, and spatial information, amino acid conservation, physicochemical variation, residue mobility, and thermodynamic stability) indicates that this missense variant is expected to disrupt RYR2 protein function with a positive predictive value of 95%. In summary, the available evidence is currently insufficient to determine the role of this variant in disease. Therefore, it has been classified as a Variant of Uncertain Significance.

NM_001035.3(RYR2):c.6850G>T (p.Gly2284Cys)

Gene: RYR2 (ryanodine receptor 2; plus strand). Cytogenetic location: 1q43.
Variant type: single nucleotide variant.
Coding change: c.6850G>T on transcript NM_001035.3 (MANE Select); coding-DNA position 6850, G replaced by T.
Protein change: p.Gly2284Cys; replaces glycine 2284 with cysteine.
Molecular consequence: missense variant.
Genome position (GRCh38, 1-based): chr1:237,638,414, G>T. VCF-style: chr1-237638414-G-T. GRCh37 (hg19) VCF-style: chr1-237801714-G-T.
Other names: short protein forms G2284C.
Identifiers: ClinVar variation 2899378 (VCV002899378.3), dbSNP rs1358347233, ClinGen allele CA345395541.